The following is an entry in ClinVar:

NM_001754.5(RUNX1):c.719del (p.Pro240fs)

Gene: RUNX1 (RUNX family transcription factor 1; minus strand). Cytogenetic location: 21q22.12.
Variant type: Deletion.
Coding change: c.719del on transcript NM_001754.5 (MANE Select); coding-DNA position 719, one base deleted (C; older notation c.719delC).
Protein change: p.Pro240fs; shifts the reading frame from proline 240.
Molecular consequence: frameshift variant.
Genome position (GRCh38, 1-based): chr21:34,834,496, G deleted on the plus strand (C on the coding strand, the reverse complement: RUNX1 is on the minus strand); the first of 3 consecutive G bases (chr21:34,834,496-34,834,498); deleting any one gives the same sequence. VCF-style (leftmost placement, unchanged base first): chr21-34834495-TG-T. GRCh37 (hg19) VCF-style: chr21-36206792-TG-T.
Other names: NM_001754.5(RUNX1):c.719del; c.719del (NM_001754.4); c.638del, p.Pro213fs (NM_001001890.3, NM_001122607.2); c.719delC (NM_001754.4); short protein forms P240fs, P213fs.
Identifiers: ClinVar variation 561255 (VCV000561255.4), dbSNP rs1569037127, ClinGen allele CA658824400.
Genomic context (GRCh38, chr21:34,834,495, plus strand): 5'-GTTAAAGGCAGTGGAGTGGTTCAGGGAGGCACGAGGGTTGGGCGTGGGGGCTGGGTGGTG[TG>T]GGCTGACCCTCATGGCTGTGCGCCGCAGCTGCTCCAGTTCACTGAGCCGCTCGGAAAAGG-3'

ClinVar aggregate classification (germline): Pathogenic. Review status: reviewed by expert panel (3 of 4 stars). 2 submissions from 2 submitters: Pathogenic (1). 1 of the submissions does not count toward it. Last evaluated 2024-03-26.

Conditions:
Hereditary thrombocytopenia and hematologic cancer predisposition syndrome. Identifiers: Orphanet 71290, MedGen CN281654, MONDO:0011071.

Submissions (2):

ClinGen Myeloid Malignancy Variant Curation Expert Panel
Classification: Pathogenic for Hereditary thrombocytopenia and hematologic cancer predisposition syndrome. Last evaluated: 2024-03-26. Review status: reviewed by expert panel. Criteria: ClinGen MyeloMalig ACMG Specifications v2. Collection method: curation. Allele origin: germline. Inheritance: Autosomal dominant inheritance.
Comment: The NM_001754.4:c.719del (p.Pro240fs) variant is a frameshift variant that is predicted to introduce a premature stop codon and expected to result in nonsense-mediated mRNA decay (PVS1). The variant is completely absent from all population databases with at least 20x coverage for RUNX1 (PM2_supporting). This variant is a nonsense/frameshift variants that is downstream of c.98 (PM5_Supporting). It has been reported in one proband meeting at least one of the RUNX1-phenotypic criteria (PS4_Supporting; PMID: 28659335, 27210295). In summary, this variant meets criteria to be classified as pathogenic. ACMG/AMP criteria applied, as specified by the Myeloid Malignancy Variant Curation Expert Panel for RUNX1: PVS1, PM2_supporting, PM5_supporting, PS4_Supporting.

PreventionGenetics, part of Exact Sciences
Classification: Likely pathogenic. Last evaluated: 2016-08-18. Review status: criteria provided, single submitter. Criteria: ACMG Guidelines, 2015. Collection method: clinical testing. Allele origin: germline. Not counted in ClinVar's aggregate classification.